The following is an entry in ClinVar:

ClinVar aggregate classification (germline): Likely pathogenic (1 of 4 stars; one submission).

Conditions:
Galactosylceramide beta-galactosidase deficiency. Also called: Krabbe Disease; Leukodystrophy, Globoid Cell; GALACTOCEREBROSIDASE DEFICIENCY; GALC DEFICIENCY; GLOBOID CELL LEUKOENCEPHALOPATHY. Identifiers: Orphanet 487, MedGen C0023521, MONDO:0009499, OMIM 245200.

Submission:

Labcorp Genetics (formerly Invitae), Labcorp
Classification: Likely pathogenic for Galactosylceramide beta-galactosidase deficiency. Last evaluated: 2021-03-16. Review status: criteria provided, single submitter. Criteria: Invitae Variant Classification Sherloc (09022015). Collection method: clinical testing. Allele origin: germline.
Comment: This variant has not been reported in the literature in individuals with GALC-related conditions. In summary, the currently available evidence indicates that the variant is pathogenic, but additional data are needed to prove that conclusively. Therefore, this variant has been classified as Likely Pathogenic. This variant disrupts the p.Thr633 amino acid residue in GALC. Other variant(s) that disrupt this residue have been determined to be pathogenic (PMID: 11151421). This suggests that this residue is clinically significant, and that variants that disrupt this residue are likely to be disease-causing. Algorithms developed to predict the effect of sequence changes on RNA splicing suggest that this variant may create or strengthen a splice site, but this prediction has not been confirmed by published transcriptional studies. Advanced modeling of protein sequence and biophysical properties (such as structural, functional, and spatial information, amino acid conservation, physicochemical variation, residue mobility, and thermodynamic stability) performed at Invitae indicates that this missense variant is expected to disrupt GALC protein function. This variant is not present in population databases (ExAC no frequency). This sequence change replaces threonine with arginine at codon 633 of the GALC protein (p.Thr633Arg). The threonine residue is highly conserved and there is a moderate physicochemical difference between threonine and arginine.

Literature cited by the submitters: PubMed 11151421.

NM_000153.4(GALC):c.1898C>G (p.Thr633Arg)

Gene: GALC (galactosylceramidase; minus strand). Cytogenetic location: 14q31.3.
Variant type: single nucleotide variant.
Coding change: c.1898C>G on transcript NM_000153.4 (MANE Select); coding-DNA position 1898, C replaced by G.
Protein change: p.Thr633Arg; replaces threonine 633 with arginine.
Molecular consequence: missense variant.
Genome position (GRCh38, 1-based): chr14:87,939,918, G>C on the plus strand (C>G on the coding strand, the complement: GALC is on the minus strand). VCF-style: chr14-87939918-G-C. GRCh37 (hg19) VCF-style: chr14-88406262-G-C.
Other names: c.1829C>G, p.Thr610Arg (NM_001201401.2); c.1820C>G, p.Thr607Arg (NM_001201402.2); short protein forms T633R, T610R, T607R.
Identifiers: ClinVar variation 1497943 (VCV001497943.8), dbSNP rs766762599, ClinGen allele CA390745424.